The following is an entry in ClinVar:

ClinVar aggregate classification (germline): Benign/Likely benign. Review status: criteria provided, multiple submitters, no conflicts (2 of 4 stars). 4 submissions from 4 submitters: Benign (1); Likely benign (2). 1 of the submissions does not count toward it. Last evaluated 2026-01-19.

Conditions:
GNAL-related disorder. Also called: GNAL-related condition.
Dystonic disorder. Also called: Dystonia. Identifiers: MedGen C0013421, MONDO:0003441, HP:0001332.

Allele frequency attached by ClinVar (database versions not stated): 1000 Genomes Project 0.00799; 1000 Genomes Project 30x 0.00828; gnomAD 0.00965; ESP Exome Variant Server 0.01007; TOPMed 0.01076.
gnomAD v4.1: 9,723 of 1,612,980 alleles (0.6%); highest among the groups gnomAD compares: African/African-American, 1.7%; 56 homozygotes.

Submissions (7):

Labcorp Genetics (formerly Invitae), Labcorp
Classification: Benign for Dystonic disorder. Last evaluated: 2026-01-19. Review status: criteria provided, single submitter. Criteria: Invitae Variant Classification Sherloc (09022015). Collection method: clinical testing. Allele origin: germline.

GeneDx
Classification: Likely benign. Last evaluated: 2021-04-03. Review status: criteria provided, single submitter. Criteria: GeneDx Variant Classification Process June 2021. Collection method: clinical testing. Allele origin: germline. Affected: yes.

Breakthrough Genomics
Classification: Likely benign. Review status: criteria provided, single submitter. Criteria: ACMG Guidelines, 2015. Collection method: not provided. Allele origin: germline. Inheritance: Autosomal dominant inheritance. Affected: yes.

PreventionGenetics, part of Exact Sciences
Classification: Benign for GNAL-related condition. Last evaluated: 2019-03-13. Review status: no assertion criteria provided. Collection method: clinical testing. Allele origin: germline. Not counted in ClinVar's aggregate classification.
Comment: This variant is classified as benign based on ACMG/AMP sequence variant interpretation guidelines (Richards et al. 2015 PMID: 25741868, with internal and published modifications).

Dr. Peter K. Rogan Lab, Western University
No classification provided (evidence only). Condition: Clear cell carcinoma of kidney. Review status: no classification provided. Collection method: in vitro. Allele origin: not applicable. Functional consequence: retained intron. Not counted in ClinVar's aggregate classification.

Dr. Peter K. Rogan Lab, Western University
No classification provided (evidence only). Condition: Sarcoma. Review status: no classification provided. Collection method: in vitro. Allele origin: not applicable. Functional consequence: retained intron. Not counted in ClinVar's aggregate classification.

Dr. Peter K. Rogan Lab, Western University
No classification provided (evidence only). Condition: Malignant tumor of esophagus. Review status: no classification provided. Collection method: in vitro. Allele origin: not applicable. Functional consequence: retained intron. Not counted in ClinVar's aggregate classification.

NM_001369387.1(GNAL):c.66C>T (p.Arg22=)

Gene: GNAL (G protein subunit alpha L; plus strand). Cytogenetic location: 18p11.21.
Variant type: single nucleotide variant.
Coding change: c.66C>T on transcript NM_001369387.1 (MANE Plus Clinical); coding-DNA position 66, C replaced by T.
Protein change: p.Arg22=; no amino-acid change (arginine 22 retained).
Molecular consequence: synonymous variant. On other transcripts: intron variant (1).
Genome position (GRCh38, 1-based): chr18:11,752,499, C>T. VCF-style: chr18-11752499-C-T. GRCh37 (hg19) VCF-style: chr18-11752498-C-T.
Other names: c.66C>T, p.Arg22= (NM_001142339.3, NM_001261443.2); c.377-354C>T (NM_182978.4).
Identifiers: ClinVar variation 238559 (VCV000238559.19), dbSNP rs73397885, ClinGen allele CA8893843.